The following is an entry in ClinVar:

NM_001042750.2(STAG2):c.3576C>T (p.Ala1192=)

Gene: STAG2 (STAG2 cohesin complex component; plus strand). Cytogenetic location: Xq25.
Variant type: single nucleotide variant.
Coding change: c.3576C>T on transcript NM_001042750.2 (MANE Select); coding-DNA position 3576, C replaced by T.
Protein change: p.Ala1192=; no amino-acid change (alanine 1192 retained).
Molecular consequence: synonymous variant. On other transcripts: intron variant (8).
Genome position (GRCh38, 1-based): chrX:124,090,962, C>T. VCF-style: chrX-124090962-C-T. GRCh37 (hg19) VCF-style: chrX-123224812-C-T.
Other names: c.3576C>T, p.Ala1192= (NM_001042749.2, NM_001375366.1, NM_001375367.1 and 5 more transcripts); c.3467+198C>T (NM_001375373.1, NM_001375374.1, NM_001282418.2 and 5 more transcripts).
Identifiers: ClinVar variation 2121524 (VCV002121524.4), dbSNP rs2522483085, ClinGen allele CA518177739.

ClinVar aggregate classification (germline): Uncertain significance (1 of 4 stars; one submission).

Submission:

Labcorp Genetics (formerly Invitae), Labcorp
Classification: Uncertain significance. Last evaluated: 2022-07-01. Review status: criteria provided, single submitter. Criteria: Invitae Variant Classification Sherloc (09022015). Collection method: clinical testing. Allele origin: germline.
Comment: Algorithms developed to predict the effect of sequence changes on RNA splicing suggest that this variant may disrupt the consensus splice site. This variant has not been reported in the literature in individuals affected with STAG2-related conditions. This variant is not present in population databases (gnomAD no frequency). This sequence change affects codon 1192 of the STAG2 mRNA. It is a 'silent' change, meaning that it does not change the encoded amino acid sequence of the STAG2 protein. In summary, the available evidence is currently insufficient to determine the role of this variant in disease. Therefore, it has been classified as a Variant of Uncertain Significance.